The following is an entry in ClinVar:

NM_001017995.3(SH3PXD2B):c.2569G>T (p.Ala857Ser)

Gene: SH3PXD2B (SH3 and PX domains 2B; minus strand). Cytogenetic location: 5q35.1.
Variant type: single nucleotide variant.
Coding change: c.2569G>T on transcript NM_001017995.3 (MANE Select); coding-DNA position 2569, G replaced by T.
Protein change: p.Ala857Ser; replaces alanine 857 with serine.
Molecular consequence: missense variant. On other transcripts: intron variant (1).
Genome position (GRCh38, 1-based): chr5:172,338,536, C>A on the plus strand (G>T on the coding strand, the complement: SH3PXD2B is on the minus strand). VCF-style: chr5-172338536-C-A. GRCh37 (hg19) VCF-style: chr5-171765540-C-A.
Other names: c.1188+7600G>T (NM_001308175.2); short protein forms A857S.
Identifiers: ClinVar variation 593782 (VCV000593782.7), dbSNP rs150789109, ClinGen allele CA3560935.

ClinVar aggregate classification (germline): Uncertain significance. Review status: criteria provided, multiple submitters, no conflicts (2 of 4 stars). 2 submissions from 2 submitters: Uncertain significance (2). Last evaluated 2022-09-27.

Allele frequency attached by ClinVar (database versions not stated): TOPMed 0.00013; gnomAD exomes 0.00014; ExAC 0.00016; gnomAD 0.00026 and 0.00027; ESP Exome Variant Server 0.00046.

Submissions (2):

Labcorp Genetics (formerly Invitae), Labcorp
Classification: Uncertain significance. Last evaluated: 2022-09-27. Review status: criteria provided, single submitter. Criteria: Invitae Variant Classification Sherloc (09022015). Collection method: clinical testing. Allele origin: germline.
Comment: This sequence change replaces alanine, which is neutral and non-polar, with serine, which is neutral and polar, at codon 857 of the SH3PXD2B protein (p.Ala857Ser). This variant is present in population databases (rs150789109, gnomAD 0.06%). This variant has not been reported in the literature in individuals affected with SH3PXD2B-related conditions. ClinVar contains an entry for this variant (Variation ID: 593782). Algorithms developed to predict the effect of missense changes on protein structure and function (SIFT, PolyPhen-2, Align-GVGD) all suggest that this variant is likely to be disruptive. In summary, the available evidence is currently insufficient to determine the role of this variant in disease. Therefore, it has been classified as a Variant of Uncertain Significance.

Eurofins Ntd Llc (ga)
Classification: Uncertain significance. Last evaluated: 2017-09-07. Review status: criteria provided, single submitter. Criteria: EGL Classification Definitions 2015. Collection method: clinical testing. Allele origin: germline. Observed: 1 variant allele, 1 heterozygote.